The following is an entry in ClinVar:

ClinVar aggregate classification (germline): Likely benign (1 of 4 stars; one submission).

Conditions:
Familial cancer of breast. Also called: BREAST CANCER, FAMILIAL; Hereditary breast cancer; hereditary breast carcinoma. Identifiers: Orphanet 227535, MedGen C0346153, MONDO:0016419, OMIM 114480. Disease mechanism: loss of function.

gnomAD v4.1: 4,309 of 1,017,256 alleles (0.42%); highest among the groups gnomAD compares: Admixed American, 0.82%; 19 homozygotes.

Submission:

Genomic Medicine Laboratory, Hospital de Clinicas de Porto Alegre
Classification: Likely benign for Familial cancer of breast. Last evaluated: 2026-08-07. Review status: criteria provided, single submitter. Criteria: ACGS UK Practice Guidelines For Variant Classification V12 2024. Collection method: research. Allele origin: germline. Affected: yes. Observed: 1 variant allele.
Comment: BS2 + BP4: Observed in a healthy adult individual for a recessive (homozygous), dominant (heterozygous), or X-linked (hemizygous) disorder with full enetrance expected at an early age + Multiple lines of computational evidence suggest no impact on gene or gene product

NM_199420.4(POLQ):c.7264+40A>T

Gene: POLQ (DNA polymerase theta; minus strand). Cytogenetic location: 3q13.33.
Variant type: single nucleotide variant.
Coding change: c.7264+40A>T on transcript NM_199420.4 (MANE Select); 40 bases into the intron after coding-DNA position 7264, A replaced by T.
Molecular consequence: intron variant.
Genome position (GRCh38, 1-based): chr3:121,449,275, T>A on the plus strand (A>T on the coding strand, the complement: POLQ is on the minus strand). VCF-style: chr3-121449275-T-A. GRCh37 (hg19) VCF-style: chr3-121168122-T-A.
Identifiers: ClinVar variation 4888228 (VCV004888228.1), dbSNP rs3218627.
Genomic context (GRCh38, chr3:121,449,275, plus strand): 5'-TGACTAATTGATATTTCAAAAGAAAATTCCATTACACAAATTTTTAAAAATATAATATGG[T>A]AAGATGGTTGAAAAGAATACTATCTAGAAGATAAATTACCTGTGTATCTGGATTTGAAGG-3'